The following is an entry in ClinVar:

NM_006767.4(LZTR1):c.353G>T (p.Arg118Leu)

Gene: LZTR1 (leucine zipper like post translational regulator 1; plus strand). Cytogenetic location: 22q11.21.
Variant type: single nucleotide variant.
Coding change: c.353G>T on transcript NM_006767.4 (MANE Select); coding-DNA position 353, G replaced by T.
Protein change: p.Arg118Leu; replaces arginine 118 with leucine.
Molecular consequence: missense variant.
Genome position (GRCh38, 1-based): chr22:20,987,536, G>T. VCF-style: chr22-20987536-G-T. GRCh37 (hg19) VCF-style: chr22-21341825-G-T.
Other names: short protein forms R118L.
Identifiers: ClinVar variation 4883783 (VCV004883783.2).

ClinVar aggregate classification (germline): Uncertain significance (1 of 4 stars; one submission).

gnomAD v4.1: 2 of 1,614,016 alleles (0.00012%); highest among the groups gnomAD compares: Non-Finnish European, 0.00017%; no homozygotes.

Submission:

Dasa
Classification: Uncertain significance. Last evaluated: 2025-07-10. Review status: criteria provided, single submitter. Criteria: DASA Assertion Criteria. Collection method: clinical testing. Allele origin: germline.
Comment: NM_006767.4(LZTR1):c.353G>T (p.Arg118Leu) is a missense variant that results in the substitution of arginine with leucine. This variant is rare in population databases. Computational prediction algorithms are consistent with a deleterious effect. The currently available literature and clinical evidence are not sufficient to establish a definitive association between this variant and the reported condition. Therefore, this variant is classified as a variant of uncertain significance.